The following is an entry in ClinVar:

NM_018100.4(EFHC1):c.248C>T (p.Ala83Val)

Gene: EFHC1 (EF-hand domain containing 1; plus strand). Cytogenetic location: 6p12.2.
Variant type: single nucleotide variant.
Coding change: c.248C>T on transcript NM_018100.4 (MANE Select); coding-DNA position 248, C replaced by T.
Protein change: p.Ala83Val; replaces alanine 83 with valine.
Molecular consequence: missense variant. On other transcripts: non-coding transcript variant (1).
Genome position (GRCh38, 1-based): chr6:52,424,130, C>T. VCF-style: chr6-52424130-C-T. GRCh37 (hg19) VCF-style: chr6-52288928-C-T.
Other names: c.191C>T, p.Ala64Val (NM_001172420.2); short protein forms A83V, A64V.
Identifiers: ClinVar variation 840601 (VCV000840601.14), dbSNP rs557599173, ClinGen allele CA3855698.

ClinVar aggregate classification (germline): Uncertain significance. Review status: criteria provided, multiple submitters, no conflicts (2 of 4 stars). 3 submissions from 3 submitters: Uncertain significance (3). Last evaluated 2025-06-24.

Conditions:
Absence seizure. Also called: Absence epilepsy. Identifiers: Orphanet 1941, MedGen C0014553.
Myoclonic epilepsy, juvenile, susceptibility to, 1. Also called: Myoclonic Epilepsy, Juvenile, 1; EJM1. Identifiers: MedGen C1850778, MONDO:0020752, OMIM 254770.

Allele frequency attached by ClinVar (database versions not stated): TOPMed 0.00001; gnomAD exomes 0.00001; ExAC 0.00001; 1000 Genomes Project 0.00040; 1000 Genomes Project 30x 0.00031.
gnomAD v4.1: 17 of 1,614,058 alleles (0.0011%); highest among the groups gnomAD compares: South Asian, 0.0044%; no homozygotes.

Submissions (3):

Dasa
Classification: Uncertain significance. Last evaluated: 2025-06-24. Review status: criteria provided, single submitter. Criteria: DASA Assertion Criteria. Collection method: clinical testing. Allele origin: germline.
Comment: NM_018100.4(EFHC1):c.248C>T (p.Ala83Val) is a missense variant that results in the substitution of alanine with valine. This variant is rare in population databases. Computational prediction algorithms are consistent with a benign effect. The currently available literature and clinical evidence are not sufficient to establish a definitive association between this variant and the reported condition. Therefore, this variant is classified as a variant of uncertain significance.

Ambry Genetics
Classification: Uncertain significance. Last evaluated: 2024-09-02. Review status: criteria provided, single submitter. Criteria: Ambry Variant Classification Scheme 2023. Collection method: clinical testing. Allele origin: germline.

Labcorp Genetics (formerly Invitae), Labcorp
Classification: Uncertain significance for Myoclonic epilepsy, juvenile, susceptibility to, 1; Absence seizure. Last evaluated: 2024-01-02. Review status: criteria provided, single submitter. Criteria: Invitae Variant Classification Sherloc (09022015). Collection method: clinical testing. Allele origin: germline.
Comment: This sequence change replaces alanine, which is neutral and non-polar, with valine, which is neutral and non-polar, at codon 83 of the EFHC1 protein (p.Ala83Val). This variant is present in population databases (rs557599173, gnomAD 0.01%). This variant has not been reported in the literature in individuals affected with EFHC1-related conditions. ClinVar contains an entry for this variant (Variation ID: 840601). Advanced modeling of protein sequence and biophysical properties (such as structural, functional, and spatial information, amino acid conservation, physicochemical variation, residue mobility, and thermodynamic stability) performed at Invitae indicates that this missense variant is not expected to disrupt EFHC1 protein function with a negative predictive value of 80%. In summary, the available evidence is currently insufficient to determine the role of this variant in disease. Therefore, it has been classified as a Variant of Uncertain Significance.